The following is an entry in ClinVar:

ClinVar aggregate classification (germline): Uncertain significance. Review status: criteria provided, multiple submitters, no conflicts (2 of 4 stars). 2 submissions from 2 submitters: Uncertain significance (2). Last evaluated 2025-03-26.

Conditions:
Inborn genetic diseases. Identifiers: MedGen C0950123, MeSH D030342.
Fanconi anemia complementation group A (FANCA). Also called: FANCA-Related Fanconi Anemia; Fanconi anemia, group A. Identifiers: Orphanet 84, MedGen C3469521, MONDO:0009215, OMIM 227650.

gnomAD v4.1: 2 of 1,614,248 alleles (0.00012%); highest among the groups gnomAD compares: Non-Finnish European, 0.00017%; no homozygotes.

Submissions (2):

Ambry Genetics
Classification: Uncertain significance for Inborn genetic diseases. Last evaluated: 2025-03-26. Review status: criteria provided, single submitter. Criteria: Ambry Variant Classification Scheme 2023. Collection method: clinical testing. Allele origin: germline.
Comment: The p.D887E variant (also known as c.2661C>G), located in coding exon 28 of the FANCA gene, results from a C to G substitution at nucleotide position 2661. The aspartic acid at codon 887 is replaced by glutamic acid, an amino acid with highly similar properties. This amino acid position is conserved. In addition, this alteration is predicted to be tolerated by in silico analysis. Based on the available evidence, the clinical significance of this variant remains unclear.

Fulgent Genetics
Classification: Uncertain significance for Fanconi anemia complementation group A. Last evaluated: 2024-04-17. Review status: criteria provided, single submitter. Criteria: ACMG Guidelines, 2015. Collection method: clinical testing. Allele origin: germline.

NM_000135.4(FANCA):c.2661C>G (p.Asp887Glu)

Genes: FANCA (FA complementation group A; minus strand), LOC130059837 (ATAC-STARR-seq lymphoblastoid active region 11420; plus strand). Cytogenetic location: 16q24.3.
Variant type: single nucleotide variant.
Coding change: c.2661C>G on transcript NM_000135.4 (MANE Select); coding-DNA position 2661, C replaced by G.
Protein change: p.Asp887Glu; replaces aspartic acid 887 with glutamic acid.
Molecular consequence: missense variant.
Genome position (GRCh38, 1-based): chr16:89,765,007, G>C on the plus strand (C>G on the coding strand, the complement: FANCA is on the minus strand). VCF-style: chr16-89765007-G-C. GRCh37 (hg19) VCF-style: chr16-89831415-G-C.
Other names: c.2661C>G, p.Asp887Glu (NM_001286167.3); short protein forms D887E.
Identifiers: ClinVar variation 3581497 (VCV003581497.2).